The following is an entry in ClinVar:

ClinVar aggregate classification (germline): Uncertain significance (1 of 4 stars; one submission).

Submission:

Ambry Genetics
Classification: Uncertain significance. Last evaluated: 2024-10-28. Review status: criteria provided, single submitter. Criteria: Ambry Variant Classification Scheme 2023. Collection method: clinical testing. Allele origin: germline.
Comment: The p.Y1746F variant (also known as c.5237A>T), located in coding exon 45 of the KIF1B gene, results from an A to T substitution at nucleotide position 5237. The tyrosine at codon 1746 is replaced by phenylalanine, an amino acid with highly similar properties. This amino acid position is conserved. In addition, this alteration is predicted to be tolerated by in silico analysis. Based on the available evidence, the clinical significance of this variant remains unclear.

NM_001365951.3(KIF1B):c.5375A>T (p.Tyr1792Phe)

Gene: KIF1B (kinesin family member 1B; plus strand). Cytogenetic location: 1p36.22.
Variant type: single nucleotide variant.
Coding change: c.5375A>T on transcript NM_001365951.3 (MANE Select); coding-DNA position 5375, A replaced by T.
Protein change: p.Tyr1792Phe; replaces tyrosine 1792 with phenylalanine.
Molecular consequence: missense variant.
Genome position (GRCh38, 1-based): chr1:10,375,340, A>T. VCF-style: chr1-10375340-A-T. GRCh37 (hg19) VCF-style: chr1-10435398-A-T.
Other names: c.5375A>T, p.Tyr1792Phe (NM_001365952.1); c.5237A>T, p.Tyr1746Phe (NM_015074.3); short protein forms Y1746F, Y1792F.
Identifiers: ClinVar variation 3534059 (VCV003534059.1).
Genomic context (GRCh38, chr1:10,375,340, plus strand): 5'-CAAAGCACCGTGGGGTCCTTTTGCAGGCCCTCAATGACAAAGACATGAACGACTGGTTGT[A>T]TGCCTTCAACCCACTTCTAGCTGGCACAATACGGTAAGAAGTTTTGTTGTTGTTGTTGTT-3'
Protein context (NP_001352880.1, residues 1782-1802): LNDKDMNDWL[Tyr1792Phe]AFNPLLAGTI